The following is an entry in ClinVar:

ClinVar aggregate classification (germline): Uncertain significance. Review status: criteria provided, multiple submitters, no conflicts (2 of 4 stars). 4 submissions from 4 submitters: Uncertain significance (4). Last evaluated 2025-04-08.

Conditions:
Retinal dystrophy. Also called: Inherited retinal dystrophy. Identifiers: Orphanet 71862, MedGen C0854723, MeSH D058499, MONDO:0019118, HP:0000556.

Allele frequency attached by ClinVar (database versions not stated): gnomAD exomes 0.00003 and 0.00008; gnomAD 0.00009; ExAC 0.00012; TOPMed 0.00013; ESP Exome Variant Server 0.00046.
gnomAD v4.1: 58 of 1,614,062 alleles (0.0036%); highest among the groups gnomAD compares: African/African-American, 0.023%; no homozygotes.

Submissions (4):

Labcorp Genetics (formerly Invitae), Labcorp
Classification: Uncertain significance. Last evaluated: 2025-04-08. Review status: criteria provided, single submitter. Criteria: Invitae Variant Classification Sherloc (09022015). Collection method: clinical testing. Allele origin: germline.
Comment: This sequence change replaces threonine, which is neutral and polar, with methionine, which is neutral and non-polar, at codon 318 of the SLC7A14 protein (p.Thr318Met). This variant is present in population databases (rs149289989, gnomAD 0.04%). This variant has not been reported in the literature in individuals affected with SLC7A14-related conditions. ClinVar contains an entry for this variant (Variation ID: 1046264). An algorithm developed to predict the effect of missense changes on protein structure and function (PolyPhen-2) suggests that this variant is likely to be disruptive. In summary, the available evidence is currently insufficient to determine the role of this variant in disease. Therefore, it has been classified as a Variant of Uncertain Significance.

Blueprint Genetics
Classification: Uncertain significance. Last evaluated: 2024-07-18. Review status: criteria provided, single submitter. Criteria: ACMG Guidelines, 2015. Collection method: clinical testing. Allele origin: germline.

Dept Of Ophthalmology, Nagoya University
Classification: Uncertain significance for Retinal dystrophy. Last evaluated: 2023-10-01. Review status: criteria provided, single submitter. Criteria: Submitter's publication. Collection method: research. Allele origin: germline. Affected: yes.

Ambry Genetics
Classification: Uncertain significance. Last evaluated: 2021-10-20. Review status: criteria provided, single submitter. Criteria: Ambry Variant Classification Scheme 2023. Collection method: clinical testing. Allele origin: germline.

NM_020949.3(SLC7A14):c.953C>T (p.Thr318Met)

Genes: SLC7A14 (solute carrier family 7 member 14; minus strand), SLC7A14-AS1 (SLC7A14 antisense RNA 1; plus strand). Cytogenetic location: 3q26.2.
Variant type: single nucleotide variant.
Coding change: c.953C>T on transcript NM_020949.3 (MANE Select); coding-DNA position 953, C replaced by T.
Protein change: p.Thr318Met; replaces threonine 318 with methionine.
Molecular consequence: missense variant.
Genome position (GRCh38, 1-based): chr3:170,483,476, G>A on the plus strand (C>T on the coding strand, the complement: SLC7A14 is on the minus strand). VCF-style: chr3-170483476-G-A. GRCh37 (hg19) VCF-style: chr3-170201265-G-A.
Other names: c.953C>T (NM_020949.2); short protein forms T318M.
Identifiers: ClinVar variation 1046264 (VCV001046264.14), dbSNP rs149289989, ClinGen allele CA2701755.
Genomic context (GRCh38, chr3:170,483,476, plus strand): 5'-ACTACGAATTTGGCAGCATAGAACCCATGAGCCACAAACATCTCCATGAGTGGGGATTCC[G>A]TGTCAATGGTATAATATGGCACCATCAGAGTTAAGATCACGCTCACCTGTTAAAACAAGA-3'
Protein context (NP_066000.2, residues 308-328): TLMVPYYTID[Thr318Met]ESPLMEMFVA